The following is an entry in ClinVar:

ClinVar aggregate classification (germline): Uncertain significance (1 of 4 stars; one submission).

Allele frequency attached by ClinVar (database versions not stated): gnomAD exomes below 0.00001.
gnomAD v4.1: 1 of 1,534,912 alleles (0.000065%); highest among the groups gnomAD compares: Non-Finnish European, 0.000087%; no homozygotes.

Submission:

Labcorp Genetics (formerly Invitae), Labcorp
Classification: Uncertain significance. Last evaluated: 2023-05-15. Review status: criteria provided, single submitter. Criteria: Invitae Variant Classification Sherloc (09022015). Collection method: clinical testing. Allele origin: germline.
Comment: In summary, the available evidence is currently insufficient to determine the role of this variant in disease. Therefore, it has been classified as a Variant of Uncertain Significance. Algorithms developed to predict the effect of missense changes on protein structure and function output the following: SIFT: "Not Available"; PolyPhen-2: "Benign"; Align-GVGD: "Not Available". The glycine amino acid residue is found in multiple mammalian species, which suggests that this missense change does not adversely affect protein function. This variant has not been reported in the literature in individuals affected with VAV1-related conditions. This variant is not present in population databases (gnomAD no frequency). This sequence change replaces serine, which is neutral and polar, with glycine, which is neutral and non-polar, at codon 683 of the VAV1 protein (p.Ser683Gly).

NM_005428.4(VAV1):c.2047A>G (p.Ser683Gly)

Gene: VAV1 (vav guanine nucleotide exchange factor 1; plus strand). Cytogenetic location: 19p13.3.
Variant type: single nucleotide variant.
Coding change: c.2047A>G on transcript NM_005428.4 (MANE Select); coding-DNA position 2047, A replaced by G.
Protein change: p.Ser683Gly; replaces serine 683 with glycine.
Molecular consequence: missense variant.
Genome position (GRCh38, 1-based): chr19:6,848,032, A>G. VCF-style: chr19-6848032-A-G. GRCh37 (hg19) VCF-style: chr19-6848043-A-G.
Other names: c.1981A>G, p.Ser661Gly (NM_001258206.2); c.1951A>G, p.Ser651Gly (NM_001258207.2); short protein forms S651G, S661G, S683G.
Identifiers: ClinVar variation 3000891 (VCV003000891.3), dbSNP rs2512401718, ClinGen allele CA403635181.